The following is an entry in ClinVar:

ClinVar aggregate classification (germline): Uncertain significance. Review status: criteria provided, multiple submitters, no conflicts (2 of 4 stars). 3 submissions from 3 submitters: Uncertain significance (3). Last evaluated 2023-04-11.

Conditions:
Microcephaly 5, primary, autosomal recessive (MCPH5). Also called: ASPM Primary Microcephaly. Identifiers: Orphanet 2512, MedGen C1837501, MONDO:0012106, OMIM 608716.

Allele frequency attached by ClinVar (database versions not stated): gnomAD 0.00002; gnomAD exomes 0.00002 and 0.00007; TOPMed 0.00004; ExAC 0.00005.
gnomAD v4.1: 98 of 1,612,912 alleles (0.0061%); highest among the groups gnomAD compares: Middle Eastern, 0.016%; no homozygotes.

Submissions (3):

Genome-Nilou Lab
Classification: Uncertain significance for Microcephaly 5, primary, autosomal recessive. Last evaluated: 2023-04-11. Review status: criteria provided, single submitter. Criteria: ACMG Guidelines, 2015. Collection method: clinical testing. Allele origin: germline. Affected: no.

Labcorp Genetics (formerly Invitae), Labcorp
Classification: Uncertain significance. Last evaluated: 2021-08-18. Review status: criteria provided, single submitter. Criteria: Invitae Variant Classification Sherloc (09022015). Collection method: clinical testing. Allele origin: germline.
Comment: This sequence change replaces arginine with cysteine at codon 1531 of the ASPM protein (p.Arg1531Cys). The arginine residue is highly conserved and there is a large physicochemical difference between arginine and cysteine. This variant is present in population databases (rs780484121, ExAC 0.02%). This variant has not been reported in the literature in individuals affected with ASPM-related conditions. ClinVar contains an entry for this variant (Variation ID: 497405). Algorithms developed to predict the effect of missense changes on protein structure and function (SIFT, PolyPhen-2, Align-GVGD) all suggest that this variant is likely to be disruptive. In summary, the available evidence is currently insufficient to determine the role of this variant in disease. Therefore, it has been classified as a Variant of Uncertain Significance.

Eurofins Ntd Llc (ga)
Classification: Uncertain significance. Last evaluated: 2016-10-04. Review status: criteria provided, single submitter. Criteria: EGL Classification Definitions 2015. Collection method: clinical testing. Allele origin: germline. Observed: 1 variant allele, 1 heterozygote.

NM_018136.5(ASPM):c.4591C>T (p.Arg1531Cys)

Gene: ASPM (assembly factor for spindle microtubules; minus strand). Cytogenetic location: 1q31.3.
Variant type: single nucleotide variant.
Coding change: c.4591C>T on transcript NM_018136.5 (MANE Select); coding-DNA position 4591, C replaced by T.
Protein change: p.Arg1531Cys; replaces arginine 1531 with cysteine.
Molecular consequence: missense variant. On other transcripts: intron variant (1).
Genome position (GRCh38, 1-based): chr1:197,104,660, G>A on the plus strand (C>T on the coding strand, the complement: ASPM is on the minus strand). VCF-style: chr1-197104660-G-A. GRCh37 (hg19) VCF-style: chr1-197073790-G-A.
Other names: c.4066-8496C>T (NM_001206846.2); short protein forms R1531C.
Identifiers: ClinVar variation 497405 (VCV000497405.8), dbSNP rs780484121, ClinGen allele CA1309900.